The following is an entry in ClinVar:

ClinVar aggregate classification (germline): Pathogenic (1 of 4 stars; one submission).

Conditions:
Bloom syndrome (BLM). Also called: Bloom-Torre-Machacek syndrome. Identifiers: Orphanet 125, MedGen C0005859, MONDO:0008876, OMIM 210900.

Submission:

Women's Health and Genetics/Laboratory Corporation of America, LabCorp
Classification: Pathogenic for Bloom syndrome. Last evaluated: 2025-06-13. Review status: criteria provided, single submitter. Criteria: LabCorp Variant Classification Summary - May 2015. Collection method: clinical testing. Allele origin: germline.
Comment: Variant summary: BLM c.2797A>T (p.Lys933X) results in a premature termination codon, predicted to cause a truncation of the encoded protein or absence of the protein due to nonsense mediated decay, which are commonly known mechanisms for disease. The variant was absent in 251438 control chromosomes (gnomAD). To our knowledge, no occurrence of c.2797A>T in individuals affected with Bloom Syndrome and no experimental evidence demonstrating its impact on protein function have been reported. No submitters have cited clinical-significance assessments for this variant to ClinVar. Based on the evidence outlined above, the variant was classified as pathogenic.

NM_000057.4(BLM):c.2797A>T (p.Lys933Ter)

Gene: BLM (BLM RecQ like helicase; plus strand). Cytogenetic location: 15q26.1.
Variant type: single nucleotide variant.
Coding change: c.2797A>T on transcript NM_000057.4 (MANE Select); coding-DNA position 2797, A replaced by T.
Protein change: p.Lys933Ter; replaces lysine 933 with a stop codon.
Molecular consequence: nonsense.
Genome position (GRCh38, 1-based): chr15:90,785,055, A>T. VCF-style: chr15-90785055-A-T. GRCh37 (hg19) VCF-style: chr15-91328285-A-T.
Other names: c.2797A>T, p.Lys933Ter (NM_001287246.2, NM_001287247.2); c.1672A>T, p.Lys558Ter (NM_001287248.2); short protein forms K558*, K933*.
Identifiers: ClinVar variation 3907152 (VCV003907152.1).
Genomic context (GRCh38, chr15:90,785,055, plus strand): 5'-CTCGCTGCTCTTGCTTACCATGCTGGCCTCAGTGATTCTGCCAGAGATGAAGTGCAGCAG[A>T]AGTGGATTAATCAGGATGGCTGTCAGGTAACATTTTTAAAGATAAACAAATAATAGAAAT-3'